The following is an entry in ClinVar:

NM_001754.5(RUNX1):c.1125G>A (p.Thr375=)

Gene: RUNX1 (RUNX family transcription factor 1; minus strand). Cytogenetic location: 21q22.12.
Variant type: single nucleotide variant.
Coding change: c.1125G>A on transcript NM_001754.5 (MANE Select); coding-DNA position 1125, G replaced by A.
Protein change: p.Thr375=; no amino-acid change (threonine 375 retained).
Molecular consequence: synonymous variant.
Genome position (GRCh38, 1-based): chr21:34,792,453, C>T on the plus strand (G>A on the coding strand, the complement: RUNX1 is on the minus strand). VCF-style: chr21-34792453-C-T. GRCh37 (hg19) VCF-style: chr21-36164750-C-T.
Other names: NM_001754.5(RUNX1):c.1125G>A; p.Thr375=; c.1044G>A, p.Thr348= (NM_001001890.3).
Identifiers: ClinVar variation 2778616 (VCV002778616.4), dbSNP rs1437818670, ClinGen allele CA512341290.

ClinVar aggregate classification (germline): Likely benign. Review status: reviewed by expert panel (3 of 4 stars). 2 submissions from 2 submitters: Likely benign (1). 1 of the submissions does not count toward it. Last evaluated 2024-09-18.

Conditions:
Hereditary thrombocytopenia and hematological cancer predisposition syndrome associated with RUNX1. Also called: Familial Platelet Disorder with Propensity to Acute Myelogenous Leukemia; Familial thrombocytopenia with propensity to acute myelogenous leukemia; PLATELET DISORDER, ASPIRIN-LIKE; RUNX1 Familial Platelet Disorder with Associated Myeloid Malignancies. Identifiers: Orphanet 71290, MedGen C1832388, MeSH C563324, MONDO:0100083, OMIM 601399.
Hereditary thrombocytopenia and hematologic cancer predisposition syndrome. Identifiers: Orphanet 71290, MedGen CN281654, MONDO:0011071.

Allele frequency attached by ClinVar (database versions not stated): gnomAD exomes below 0.00001; TOPMed 0.00001.
gnomAD v4.1: 2 of 1,577,310 alleles (0.00013%); highest among the groups gnomAD compares: South Asian, 0.0023%; no homozygotes.

Submissions (2):

ClinGen Myeloid Malignancy Variant Curation Expert Panel
Classification: Likely benign for Hereditary thrombocytopenia and hematologic cancer predisposition syndrome. Last evaluated: 2024-09-18. Review status: reviewed by expert panel. Criteria: ClinGen MyeloMalig ACMG Specifications v2. Collection method: curation. Allele origin: germline. Inheritance: Autosomal dominant inheritance.
Comment: NM_001754.5(RUNX1):c.1125G>A (p.Thr375=) is a synonymous variant which has a SpliceAI score ≤ 0.20 (0.0) (BP4). This variant has a SpliceAI score ≤ 0.20 (0.0) and evolutionary conservation algorithms predict the site as being not conserved (PhyloP score ≤ 2.0 (-2.99) (BP7). This variant is completely absent from all population databases with at least 20x coverage for RUNX1 (PM2_Supporting). In summary, this variant meets criteria to be classified as likely benign. ACMG/AMP criteria applied, as specified by the Myeloid Malignancy Variant Curation Expert Panel for RUNX1: BP4, BP7, PM2_supporting.

Labcorp Genetics (formerly Invitae), Labcorp
Classification: Likely benign for Hereditary thrombocytopenia and hematological cancer predisposition syndrome associated with RUNX1. Last evaluated: 2022-12-22. Review status: criteria provided, single submitter. Criteria: Invitae Variant Classification Sherloc (09022015). Collection method: clinical testing. Allele origin: germline. Not counted in ClinVar's aggregate classification.